The following is an entry in ClinVar:

ClinVar aggregate classification (germline): Uncertain significance (1 of 4 stars; one submission).

Allele frequency attached by ClinVar (database versions not stated): TOPMed below 0.00001.

Submission:

GeneDx
Classification: Uncertain significance. Last evaluated: 2023-02-09. Review status: criteria provided, single submitter. Criteria: GeneDx Variant Classification Process June 2021. Collection method: clinical testing. Allele origin: germline. Affected: yes.
Comment: Not observed at significant frequency in large population cohorts (gnomAD); In silico analysis supports that this missense variant has a deleterious effect on protein structure/function; Has not been previously published as pathogenic or benign to our knowledge

NM_197968.4(ZMYM2):c.1088T>C (p.Phe363Ser)

Gene: ZMYM2 (zinc finger MYM-type containing 2; plus strand). Cytogenetic location: 13q12.11.
Variant type: single nucleotide variant.
Coding change: c.1088T>C on transcript NM_197968.4 (MANE Select); coding-DNA position 1088, T replaced by C.
Protein change: p.Phe363Ser; replaces phenylalanine 363 with serine.
Molecular consequence: missense variant. On other transcripts: non-coding transcript variant (1).
Genome position (GRCh38, 1-based): chr13:20,003,090, T>C. VCF-style: chr13-20003090-T-C. GRCh37 (hg19) VCF-style: chr13-20577230-T-C.
Other names: c.1088T>C, p.Phe363Ser (NM_001190964.4, NM_001190965.4, NM_001353157.2 and 5 more transcripts); c.893T>C, p.Phe298Ser (NM_001353161.3); c.827T>C, p.Phe276Ser (NM_001353163.2); short protein forms F276S, F298S, F363S.
Identifiers: ClinVar variation 2575740 (VCV002575740.1), dbSNP rs1950506379, ClinGen allele CA387669834.
Genomic context (GRCh38, chr13:20,003,090, plus strand): 5'-CAGCTTATCAACGAAAAGGATCAGCTCACCTCTTTTGTTCTACCACCTGCCTTTCTTCCT[T>C]CTCCCACAAGCCTGCTCCAAAGAAACTCTGTGTTATGTGTAAAAAGTAAGGTTTACCTTT-3'
Protein context (NP_932072.1, residues 353-373): LFCSTTCLSS[Phe363Ser]SHKPAPKKLC